The following is an entry in ClinVar:

NM_003334.4(UBA1):c.1419G>A (p.Leu473=)

Gene: UBA1 (ubiquitin like modifier activating enzyme 1; plus strand). Cytogenetic location: Xp11.3.
Variant type: single nucleotide variant.
Coding change: c.1419G>A on transcript NM_003334.4 (MANE Select); coding-DNA position 1419, G replaced by A.
Protein change: p.Leu473=; no amino-acid change (leucine 473 retained).
Molecular consequence: synonymous variant.
Genome position (GRCh38, 1-based): chrX:47,203,214, G>A. VCF-style: chrX-47203214-G-A. GRCh37 (hg19) VCF-style: chrX-47062613-G-A.
Other names: c.1461G>A, p.Leu487= (NM_001440807.1); c.1437G>A, p.Leu479= (NM_001440809.1, NM_001440810.1); c.1419G>A, p.Leu473= (NM_001440811.1, NM_001440812.1, NM_153280.3).
Identifiers: ClinVar variation 4776693 (VCV004776693.1).

ClinVar aggregate classification (germline): Uncertain significance (1 of 4 stars; one submission).

Conditions:
Infantile-onset X-linked spinal muscular atrophy. Also called: Spinal Muscular Atrophy, X-Linked Infantile; Spinal muscular atrophy, X-linked 2; AMC, DISTAL, X-LINKED; ARTHROGRYPOSIS, X-LINKED, TYPE I; SPINAL MUSCULAR ATROPHY, X-LINKED LETHAL INFANTILE. Identifiers: Orphanet 1145, MedGen C1844934, MONDO:0010532, OMIM 301830.

Submission:

Labcorp Genetics (formerly Invitae), Labcorp
Classification: Uncertain significance for Infantile-onset X-linked spinal muscular atrophy. Last evaluated: 2025-12-20. Review status: criteria provided, single submitter. Criteria: Invitae Variant Classification Sherloc (09022015). Collection method: clinical testing. Allele origin: germline.
Comment: This sequence change affects codon 473 of the UBA1 mRNA. It is a 'silent' change, meaning that it does not change the encoded amino acid sequence of the UBA1 protein. This variant also falls at the last nucleotide of exon 13, which is part of the consensus splice site for this exon. This variant is not present in population databases (gnomAD no frequency). This variant has not been reported in the literature in individuals affected with UBA1-related conditions. Variants that disrupt the consensus splice site are a relatively common cause of aberrant splicing (PMID: 17576681, 9536098). Algorithms developed to predict the effect of sequence changes on RNA splicing suggest that this variant is not likely to affect RNA splicing. In summary, the available evidence is currently insufficient to determine the role of this variant in disease. Therefore, it has been classified as a Variant of Uncertain Significance.

Literature cited by the submitters: PubMed 17576681; PubMed 9536098.